The following is an entry in ClinVar:

NM_001367916.1(MAGT1):c.272+1G>C

Gene: MAGT1 (magnesium transporter 1; minus strand). Cytogenetic location: Xq21.1.
Variant type: single nucleotide variant.
Coding change: c.272+1G>C on transcript NM_001367916.1 (MANE Select); the canonical splice donor site of the intron after coding-DNA position 272, G replaced by C.
Molecular consequence: splice donor variant.
Genome position (GRCh38, 1-based): chrX:77,875,427, C>G on the plus strand (G>C on the coding strand, the complement: MAGT1 is on the minus strand). VCF-style: chrX-77875427-C-G. GRCh37 (hg19) VCF-style: chrX-77130924-C-G.
Other names: c.368+1G>C (NM_032121.5).
Identifiers: ClinVar variation 844382 (VCV000844382.8), dbSNP rs2077030784, ClinGen allele CA413711693.

ClinVar aggregate classification (germline): Pathogenic (1 of 4 stars; one submission).

Conditions:
X-linked immunodeficiency with magnesium defect, Epstein-Barr virus infection and neoplasia. Identifiers: Orphanet 317476, MedGen C3275445, MONDO:0010455, OMIM 300853.

Submission:

Labcorp Genetics (formerly Invitae), Labcorp
Classification: Pathogenic for X-linked immunodeficiency with magnesium defect, Epstein-Barr virus infection and neoplasia. Last evaluated: 2023-10-03. Review status: criteria provided, single submitter. Criteria: Invitae Variant Classification Sherloc (09022015). Collection method: clinical testing. Allele origin: germline.
Comment: This sequence change affects a donor splice site in intron 2 of the MAGT1 gene. It is expected to disrupt RNA splicing. Variants that disrupt the donor or acceptor splice site typically lead to a loss of protein function (PMID: 16199547), and loss-of-function variants in MAGT1 are known to be pathogenic (PMID: 24550228). This variant is not present in population databases (gnomAD no frequency). Disruption of this splice site has been observed in individual(s) with X-linked recessive immunodeficiency with magnesium defect, Epstein-Barr virus infection, and neoplasia (XMEN) (PMID: 33831577). ClinVar contains an entry for this variant (Variation ID: 844382). Algorithms developed to predict the effect of sequence changes on RNA splicing suggest that this variant may disrupt the consensus splice site. For these reasons, this variant has been classified as Pathogenic.

Literature cited by the submitters: PubMed 16199547; PubMed 24550228; PubMed 33831577.